The following is an entry in ClinVar:

ClinVar aggregate classification (germline): Uncertain significance. Review status: reviewed by expert panel (3 of 4 stars). 2 submissions from 2 submitters: Uncertain significance (1). 1 of the submissions does not count toward it. Last evaluated 2020-07-09.

Conditions:
Phenylketonuria (PKU). Also called: Phenylketonuria (PKU); FOLLING DISEASE; OLIGOPHRENIA PHENYLPYRUVICA; Phenylketonurias. Identifiers: Orphanet 716, MedGen C0031485, MONDO:0009861, OMIM 261600. Disease mechanism: loss of function.

Submissions (2):

ClinGen PAH Variant Curation Expert Panel
Classification: Uncertain significance for Phenylketonuria. Last evaluated: 2020-07-09. Review status: reviewed by expert panel. Criteria: ClinGen PAH ACMG Specifications v1. Collection method: curation. Allele origin: germline. Inheritance: Autosomal recessive inheritance.
Comment: The c.970-6T>G variant in PAH is absent from population databases (PM2). It has been observed in at least one PKU patient (PMID: 7766957) compound heterozygous with pathogenic variant R413P (ClinVar592; PM3). In summary, this variant meets criteria to be classified as uncertain significance for PAH. PAH-specific ACMG/AMP criteria applied: PM2, PM3.

DeBelle Laboratory for Biochemical Genetics, MUHC/MCH RESEARCH INSTITUTE
No classification provided. Review status: no classification provided. Collection method: not provided. Allele origin: not provided. Not counted in ClinVar's aggregate classification.

NM_000277.3(PAH):c.970-6T>G

Gene: PAH (phenylalanine hydroxylase; minus strand). Cytogenetic location: 12q23.2.
Variant type: single nucleotide variant.
Coding change: c.970-6T>G on transcript NM_000277.3 (MANE Select); 6 bases into the intron before coding-DNA position 970, T replaced by G.
Molecular consequence: intron variant.
Genome position (GRCh38, 1-based): chr12:102,844,437, A>C on the plus strand (T>G on the coding strand, the complement: PAH is on the minus strand). VCF-style: chr12-102844437-A-C. GRCh37 (hg19) VCF-style: chr12-103238215-A-C.
Other names: c.970-6T>G (NM_001354304.2).
Identifiers: ClinVar variation 102920 (VCV000102920.2), dbSNP rs62507274, ClinGen allele CA229884.